The following is an entry in ClinVar:

ClinVar aggregate classification (germline): Conflicting classifications of pathogenicity. Review status: criteria provided, conflicting classifications (1 of 4 stars). 3 submissions from 3 submitters: Pathogenic (1); Uncertain significance (2). Last evaluated 2026-01-26.

Conditions:
Cardiovascular phenotype. Identifiers: MedGen CN230736.
Dilated cardiomyopathy 1DD (CMD1DD). Identifiers: Orphanet 154, MedGen C2750995, MONDO:0013168, OMIM 613172.

Submissions (3):

Labcorp Genetics (formerly Invitae), Labcorp
Classification: Pathogenic for Dilated cardiomyopathy 1DD. Last evaluated: 2026-01-26. Review status: criteria provided, single submitter. Criteria: Invitae Variant Classification Sherloc (09022015). Collection method: clinical testing. Allele origin: germline.
Comment: This sequence change creates a premature translational stop signal (p.Pro1049Leufs*55) in the RBM20 gene. It is expected to result in an absent or disrupted protein product. Loss-of-function variants in RBM20 are known to be pathogenic (PMID: 20590677, 22004663, 38288598, 38510713, 40339755). This variant is not present in population databases (gnomAD no frequency). This variant has not been reported in the literature in individuals affected with RBM20-related conditions. ClinVar contains an entry for this variant (Variation ID: 2170590). For these reasons, this variant has been classified as Pathogenic.

Ambry Genetics
Classification: Uncertain significance for Cardiovascular phenotype. Last evaluated: 2025-08-28. Review status: criteria provided, single submitter. Criteria: Ambry Variant Classification Scheme 2023. Collection method: clinical testing. Allele origin: germline.
Comment: The c.3146delC variant, located in coding exon 11 of the RBM20 gene, results from a deletion of one nucleotide at nucleotide position 3146, causing a translational frameshift with a predicted alternate stop codon (p.P1049Lfs*55). This alteration is expected to result in protein truncation or nonsense-mediated mRNA decay. However, loss of function of RBM20 has not been established as a mechanism of disease. Based on the available evidence, the clinical significance of this alteration remains unclear.

GeneDx
Classification: Uncertain significance. Last evaluated: 2023-05-24. Review status: criteria provided, single submitter. Criteria: GeneDx Variant Classification Process June 2021. Collection method: clinical testing. Allele origin: germline. Affected: yes.
Comment: Has not been previously published as pathogenic or benign to our knowledge; Not observed at significant frequency in large population cohorts (gnomAD); Frameshift variant predicted to result in protein truncation or nonsense mediated decay in a gene or region of a gene for which loss of function is not a well-established mechanism of disease

Literature cited by the submitters: PubMed 20590677 (cited by Labcorp Genetics (formerly Invitae), Labcorp); PubMed 22004663 (cited by Labcorp Genetics (formerly Invitae), Labcorp); PubMed 38288598 (cited by Labcorp Genetics (formerly Invitae), Labcorp); PubMed 38510713 (cited by Labcorp Genetics (formerly Invitae), Labcorp); PubMed 40339755 (cited by Labcorp Genetics (formerly Invitae), Labcorp).

NM_001134363.3(RBM20):c.3146del (p.Pro1049fs)

Gene: RBM20 (RNA binding motif protein 20; plus strand). Cytogenetic location: 10q25.2.
Variant type: Deletion.
Coding change: c.3146del on transcript NM_001134363.3 (MANE Select); coding-DNA position 3146, one base deleted (C; older notation c.3146delC).
Protein change: p.Pro1049fs; shifts the reading frame from proline 1049.
Molecular consequence: frameshift variant.
Genome position (GRCh38, 1-based): chr10:110,821,765, C deleted; the last of 4 consecutive C bases (chr10:110,821,762-110,821,765); deleting any one gives the same sequence. VCF-style (leftmost placement, unchanged base first): chr10-110821761-TC-T. GRCh37 (hg19) VCF-style: chr10-112581519-TC-T.
Other names: c.3146del (NM_001134363.1); c.3146delC, p.Pro1049Leufs (NM_001134363.1); short protein forms P1049fs.
Identifiers: ClinVar variation 2170590 (VCV002170590.6), dbSNP rs1844914867, ClinGen allele CA2497307681.